The following is an entry in ClinVar:

ClinVar aggregate classification (germline): Uncertain significance (1 of 4 stars; one submission).

Conditions:
Ehlers-Danlos syndrome, type 4 (EDSVASC). Also called: Ehlers-Danlos syndrome vascular type; Ehlers Danlos syndrome, ecchymotic type; Ehlers Danlos syndrome, arterial type; Ehlers Danlos syndrome, Sack-Barabas type; Ehlers-Danlos Syndrome Type IV. Identifiers: Orphanet 286, MedGen C0268338, MONDO:0017314, OMIM 130050.

Submission:

Labcorp Genetics (formerly Invitae), Labcorp
Classification: Uncertain significance for Ehlers-Danlos syndrome, type 4. Last evaluated: 2025-01-07. Review status: criteria provided, single submitter. Criteria: Invitae Variant Classification Sherloc (09022015). Collection method: clinical testing. Allele origin: germline.
Comment: This sequence change replaces methionine, which is neutral and non-polar, with valine, which is neutral and non-polar, at codon 1393 of the COL3A1 protein (p.Met1393Val). This variant is not present in population databases (gnomAD no frequency). This variant has not been reported in the literature in individuals affected with COL3A1-related conditions. Invitae Evidence Modeling of protein sequence and biophysical properties (such as structural, functional, and spatial information, amino acid conservation, physicochemical variation, residue mobility, and thermodynamic stability) indicates that this missense variant is not expected to disrupt COL3A1 protein function with a negative predictive value of 95%. In summary, the available evidence is currently insufficient to determine the role of this variant in disease. Therefore, it has been classified as a Variant of Uncertain Significance.

NM_000090.4(COL3A1):c.4177A>G (p.Met1393Val)

Gene: COL3A1 (collagen type III alpha 1 chain; plus strand). Cytogenetic location: 2q32.2.
Variant type: single nucleotide variant.
Coding change: c.4177A>G on transcript NM_000090.4 (MANE Select); coding-DNA position 4177, A replaced by G.
Protein change: p.Met1393Val; replaces methionine 1393 with valine.
Molecular consequence: missense variant.
Genome position (GRCh38, 1-based): chr2:189,010,813, A>G. VCF-style: chr2-189010813-A-G. GRCh37 (hg19) VCF-style: chr2-189875539-A-G.
Other names: short protein forms M1393V.
Identifiers: ClinVar variation 3635588 (VCV003635588.2).